The following is an entry in ClinVar:

ClinVar aggregate classification (germline): Uncertain significance. Review status: criteria provided, multiple submitters, no conflicts (2 of 4 stars). 3 submissions from 3 submitters: Uncertain significance (3). Last evaluated 2026-03-01.

Conditions:
Inborn genetic diseases. Identifiers: MedGen C0950123, MeSH D030342.

Allele frequency attached by ClinVar (database versions not stated): gnomAD 0.00005 and 0.00006; TOPMed 0.00005; ExAC 0.00006; gnomAD exomes 0.00006; 1000 Genomes Project 30x 0.00031; 1000 Genomes Project 0.00040.

Submissions (3):

CeGaT Center for Human Genetics Tuebingen
Classification: Uncertain significance. Last evaluated: 2026-03-01. Review status: criteria provided, single submitter. Criteria: CeGaT Center For Human Genetics Tuebingen Variant Classification Criteria Version 2. Collection method: clinical testing. Allele origin: germline. Affected: yes. Observed: 1 variant allele.
Comment: SPEG: PM2, BP4

Ambry Genetics
Classification: Uncertain significance for Inborn genetic diseases. Last evaluated: 2025-08-26. Review status: criteria provided, single submitter. Criteria: Ambry Variant Classification Scheme 2023. Collection method: clinical testing. Allele origin: germline.

Labcorp Genetics (formerly Invitae), Labcorp
Classification: Uncertain significance. Last evaluated: 2022-03-02. Review status: criteria provided, single submitter. Criteria: Invitae Variant Classification Sherloc (09022015). Collection method: clinical testing. Allele origin: germline.
Comment: This sequence change replaces alanine, which is neutral and non-polar, with threonine, which is neutral and polar, at codon 2211 of the SPEG protein (p.Ala2211Thr). This variant is present in population databases (rs193110283, gnomAD 0.01%). This variant has not been reported in the literature in individuals affected with SPEG-related conditions. Algorithms developed to predict the effect of missense changes on protein structure and function output the following: SIFT: "Tolerated"; PolyPhen-2: "Benign"; Align-GVGD: "Class C0". The threonine amino acid residue is found in multiple mammalian species, which suggests that this missense change does not adversely affect protein function. In summary, the available evidence is currently insufficient to determine the role of this variant in disease. Therefore, it has been classified as a Variant of Uncertain Significance.

NM_005876.5(SPEG):c.6631G>A (p.Ala2211Thr)

Genes: ASIC4-AS1 (ASIC4 antisense RNA 1; minus strand), SPEG (striated muscle enriched protein kinase; plus strand). Cytogenetic location: 2q35.
Variant type: single nucleotide variant.
Coding change: c.6631G>A on transcript NM_005876.5 (MANE Select); coding-DNA position 6631, G replaced by A.
Protein change: p.Ala2211Thr; replaces alanine 2211 with threonine.
Molecular consequence: missense variant.
Genome position (GRCh38, 1-based): chr2:219,484,094, G>A. VCF-style: chr2-219484094-G-A. GRCh37 (hg19) VCF-style: chr2-220348816-G-A.
Other names: c.6631G>A (NM_005876.4); short protein forms A2211T.
Identifiers: ClinVar variation 1494521 (VCV001494521.8), dbSNP rs193110283, ClinGen allele CA2127068.